The following is an entry in ClinVar:

NM_001845.6(COL4A1):c.957+6C>T

Gene: COL4A1 (collagen type IV alpha 1 chain; minus strand). Cytogenetic location: 13q34.
Variant type: single nucleotide variant.
Coding change: c.957+6C>T on transcript NM_001845.6 (MANE Select); 6 bases into the intron after coding-DNA position 957, C replaced by T.
Molecular consequence: intron variant.
Genome position (GRCh38, 1-based): chr13:110,205,347, G>A on the plus strand (C>T on the coding strand, the complement: COL4A1 is on the minus strand). VCF-style: chr13-110205347-G-A. GRCh37 (hg19) VCF-style: chr13-110857694-G-A.
Other names: c.957+6C>T (NM_001303110.2).
Identifiers: ClinVar variation 882271 (VCV000882271.12), dbSNP rs754165294, ClinGen allele CA7048210.

ClinVar aggregate classification (germline): Uncertain significance. Review status: criteria provided, multiple submitters, no conflicts (2 of 4 stars). 4 submissions from 3 submitters: Uncertain significance (4). Last evaluated 2022-08-10.

Conditions:
Brain small vessel disease 1 with or without ocular anomalies (BSVD1). Also called: PORENCEPHALY, TYPE 1, AUTOSOMAL DOMINANT; BRAIN SMALL VESSEL DISEASE WITH HEMORRHAGE; Brain small vessel disease with or without ocular anomalies; GOULD SYNDROME 1. Identifiers: Orphanet 2940, Orphanet 36383, Orphanet 99810, MedGen C4755307, MONDO:0008289, OMIM 175780.
Autosomal dominant familial hematuria-retinal arteriolar tortuosity-contractures syndrome. Also called: Angiopathy, hereditary, with nephropathy, aneurysms, and muscle cramps; Hereditary Angiopathy with Nephropathy, Aneurysms, and Muscle Cramps (HANAC) Syndrome. Identifiers: Orphanet 73229, MedGen C2673195, MONDO:0012726, OMIM 611773.

Allele frequency attached by ClinVar (database versions not stated): ExAC 0.00002; gnomAD exomes 0.00002; TOPMed 0.00002.
gnomAD v4.1: 35 of 1,613,976 alleles (0.0022%); highest among the groups gnomAD compares: East Asian, 0.031%; no homozygotes.

Submissions (4):

Labcorp Genetics (formerly Invitae), Labcorp
Classification: Uncertain significance. Last evaluated: 2022-08-10. Review status: criteria provided, single submitter. Criteria: Invitae Variant Classification Sherloc (09022015). Collection method: clinical testing. Allele origin: germline.
Comment: This sequence change falls in intron 17 of the COL4A1 gene. It does not directly change the encoded amino acid sequence of the COL4A1 protein. It affects a nucleotide within the consensus splice site. This variant is present in population databases (rs754165294, gnomAD 0.02%). This variant has not been reported in the literature in individuals affected with COL4A1-related conditions. ClinVar contains an entry for this variant (Variation ID: 882271). Variants that disrupt the consensus splice site are a relatively common cause of aberrant splicing (PMID: 17576681, 9536098). Algorithms developed to predict the effect of sequence changes on RNA splicing suggest that this variant is not likely to affect RNA splicing. In summary, the available evidence is currently insufficient to determine the role of this variant in disease. Therefore, it has been classified as a Variant of Uncertain Significance.

Illumina Laboratory Services, Illumina
Classification: Uncertain significance for Brain small vessel disease 1 with or without ocular anomalies. Last evaluated: 2018-01-12. Review status: criteria provided, single submitter. Criteria: ICSL Variant Classification Criteria 13 December 2019. Collection method: clinical testing. Allele origin: germline.

Illumina Laboratory Services, Illumina
Classification: Uncertain significance for Autosomal dominant familial hematuria-retinal arteriolar tortuosity-contractures syndrome. Last evaluated: 2018-01-12. Review status: criteria provided, single submitter. Criteria: ICSL Variant Classification Criteria 13 December 2019. Collection method: clinical testing. Allele origin: germline.

Blueprint Genetics
Classification: Uncertain significance. Last evaluated: 2017-12-04. Review status: criteria provided, single submitter. Criteria: ACMG Guidelines, 2015. Collection method: clinical testing. Allele origin: germline.

Literature cited by the submitters: PubMed 17576681 (cited by Labcorp Genetics (formerly Invitae), Labcorp); PubMed 9536098 (cited by Labcorp Genetics (formerly Invitae), Labcorp).